The following is an entry in ClinVar:

NM_000038.6(APC):c.4908T>C (p.Asp1636=)

Gene: APC (APC regulator of Wnt signaling pathway; plus strand). Cytogenetic location: 5q22.2.
Variant type: single nucleotide variant.
Coding change: c.4908T>C on transcript NM_000038.6 (MANE Select); coding-DNA position 4908, T replaced by C.
Protein change: p.Asp1636=; no amino-acid change (aspartic acid 1636 retained).
Molecular consequence: synonymous variant.
Genome position (GRCh38, 1-based): chr5:112,840,502, T>C. VCF-style: chr5-112840502-T-C. GRCh37 (hg19) VCF-style: chr5-112176199-T-C.
Other names: c.4908T>C, p.Asp1636= (NM_001127510.3, NM_001354895.2); c.4854T>C, p.Asp1618= (NM_001127511.3); c.4962T>C, p.Asp1654= (NM_001354896.2); c.4938T>C, p.Asp1646= (NM_001354897.2); c.4833T>C, p.Asp1611= (NM_001354898.2); c.4824T>C, p.Asp1608= (NM_001354899.2); c.4785T>C, p.Asp1595= (NM_001354900.2); c.4731T>C, p.Asp1577= (NM_001354901.2); and 5 more.
Identifiers: ClinVar variation 482373 (VCV000482373.19), dbSNP rs1554086296, ClinGen allele CA446208687.

ClinVar aggregate classification (germline): Benign/Likely benign. Review status: criteria provided, multiple submitters, no conflicts (2 of 4 stars). 5 submissions from 5 submitters: Benign (1); Likely benign (4). Last evaluated 2025-08-18.

Conditions:
Hereditary cancer-predisposing syndrome. Also called: Neoplastic Syndromes, Hereditary; Tumor predisposition; Hereditary Cancer Syndrome; Hereditary neoplastic syndrome. Identifiers: Orphanet 140162, MedGen C0027672, MeSH D009386, MONDO:0015356.
Familial adenomatous polyposis 1 (FAP1). Also called: FAMILIAL ADENOMATOUS POLYPOSIS 1, ATTENUATED; POLYPOSIS, ADENOMATOUS INTESTINAL. Identifiers: MedGen C2713442, MONDO:0021056, OMIM 175100. Disease mechanism: loss of function.

gnomAD v4.1: 1 of 1,614,144 alleles (0.000062%); no homozygotes.

Submissions (5):

Labcorp Genetics (formerly Invitae), Labcorp
Classification: Likely benign for Familial adenomatous polyposis 1. Last evaluated: 2025-08-18. Review status: criteria provided, single submitter. Criteria: Invitae Variant Classification Sherloc (09022015). Collection method: clinical testing. Allele origin: germline.

Myriad Genetics, Inc.
Classification: Benign for Familial adenomatous polyposis 1. Last evaluated: 2024-03-28. Review status: criteria provided, single submitter. Criteria: Myriad Autosomal Dominant, Autosomal Recessive and X-Linked Classification Criteria (2023). Collection method: clinical testing. Allele origin: unknown.
Comment: This variant is considered benign. This variant is a silent/synonymous amino acid change and it is not expected to impact splicing.

Color Diagnostics, LLC DBA Color Health
Classification: Likely benign for Hereditary cancer-predisposing syndrome. Last evaluated: 2022-11-06. Review status: criteria provided, single submitter. Criteria: ACMG Guidelines, 2015. Collection method: clinical testing. Allele origin: germline.

GeneDx
Classification: Likely benign. Last evaluated: 2021-06-05. Review status: criteria provided, single submitter. Criteria: GeneDx Variant Classification Process June 2021. Collection method: clinical testing. Allele origin: germline. Affected: yes.

Ambry Genetics
Classification: Likely benign for Hereditary cancer-predisposing syndrome. Last evaluated: 2016-10-26. Review status: criteria provided, single submitter. Criteria: Ambry Variant Classification Scheme 2023. Collection method: clinical testing. Allele origin: germline.